The following is an entry in ClinVar:

ClinVar aggregate classification (germline): Likely pathogenic (1 of 4 stars; one submission).

Conditions:
GLI3-related disorder. Also called: GLI3-related condition; GLI3-related disorders. Identifiers: MedGen CN239292.

Submission:

PreventionGenetics, part of Exact Sciences
Classification: Likely pathogenic for GLI3-related condition. Last evaluated: 2023-06-07. Review status: criteria provided, single submitter. Criteria: ACMG Guidelines, 2015. Collection method: clinical testing. Allele origin: germline.
Comment: The GLI3 c.4317C>G variant is predicted to result in premature protein termination (p.Tyr1439*). To our knowledge, this variant has not been reported in the literature or in a large population database, indicating this variant is rare. Nonsense variants in GLI3 are expected to be pathogenic. This variant is interpreted as likely pathogenic.

NM_000168.6(GLI3):c.4317C>G (p.Tyr1439Ter)

Gene: GLI3 (GLI family zinc finger 3; minus strand). Cytogenetic location: 7p14.1.
Variant type: single nucleotide variant.
Coding change: c.4317C>G on transcript NM_000168.6 (MANE Select); coding-DNA position 4317, C replaced by G.
Protein change: p.Tyr1439Ter; replaces tyrosine 1439 with a stop codon.
Molecular consequence: nonsense.
Genome position (GRCh38, 1-based): chr7:41,964,756, G>C on the plus strand (C>G on the coding strand, the complement: GLI3 is on the minus strand). VCF-style: chr7-41964756-G-C. GRCh37 (hg19) VCF-style: chr7-42004354-G-C.
Other names: short protein forms Y1439*.
Identifiers: ClinVar variation 2632417 (VCV002632417.1), dbSNP rs1562656975, ClinGen allele CA367315288.